The following is an entry in ClinVar:

ClinVar aggregate classification (germline): Uncertain significance (1 of 4 stars; one submission).

Submission:

GeneDx
Classification: Uncertain significance. Last evaluated: 2023-03-29. Review status: criteria provided, single submitter. Criteria: GeneDx Variant Classification Process June 2021. Collection method: clinical testing. Allele origin: germline. Affected: yes.
Comment: Not observed at significant frequency in large population cohorts (gnomAD); In silico analysis supports that this missense variant does not alter protein structure/function; Has not been previously published as pathogenic or benign to our knowledge.

NM_015001.3(SPEN):c.8065C>T (p.Pro2689Ser)

Gene: SPEN (spen family transcriptional repressor; plus strand). Cytogenetic location: 1p36.13.
Variant type: single nucleotide variant.
Coding change: c.8065C>T on transcript NM_015001.3 (MANE Select); coding-DNA position 8065, C replaced by T.
Protein change: p.Pro2689Ser; replaces proline 2689 with serine.
Molecular consequence: missense variant.
Genome position (GRCh38, 1-based): chr1:15,934,305, C>T. VCF-style: chr1-15934305-C-T. GRCh37 (hg19) VCF-style: chr1-16260800-C-T.
Other names: short protein forms P2689S.
Identifiers: ClinVar variation 2582123 (VCV002582123.1), dbSNP rs1385902627, ClinGen allele CA338648528.